The following is an entry in ClinVar:

NM_030958.3(SLCO5A1):c.547G>A (p.Val183Met)

Gene: SLCO5A1 (solute carrier organic anion transporter family member 5A1; minus strand). Cytogenetic location: 8q13.3.
Variant type: single nucleotide variant.
Coding change: c.547G>A on transcript NM_030958.3 (MANE Select); coding-DNA position 547, G replaced by A.
Protein change: p.Val183Met; replaces valine 183 with methionine.
Molecular consequence: missense variant.
Genome position (GRCh38, 1-based): chr8:69,832,127, C>T on the plus strand (G>A on the coding strand, the complement: SLCO5A1 is on the minus strand). VCF-style: chr8-69832127-C-T. GRCh37 (hg19) VCF-style: chr8-70744362-C-T.
Other names: c.547G>A, p.Val183Met (NM_001146008.2, NM_001146009.1); short protein forms V183M.
Identifiers: ClinVar variation 2014649 (VCV002014649.4), dbSNP rs758441472, ClinGen allele CA4776796.

ClinVar aggregate classification (germline): Uncertain significance (1 of 4 stars; one submission).

Allele frequency attached by ClinVar (database versions not stated): gnomAD 0.00001; gnomAD exomes 0.00001; ExAC 0.00002.
gnomAD v4.1: 7 of 1,613,852 alleles (0.00043%); highest among the groups gnomAD compares: Admixed American, 0.0083%; no homozygotes.

Submission:

Labcorp Genetics (formerly Invitae), Labcorp
Classification: Uncertain significance. Last evaluated: 2021-12-18. Review status: criteria provided, single submitter. Criteria: Invitae Variant Classification Sherloc (09022015). Collection method: clinical testing. Allele origin: germline.
Comment: This sequence change replaces valine, which is neutral and non-polar, with methionine, which is neutral and non-polar, at codon 183 of the SLCO5A1 protein (p.Val183Met). The frequency data for this variant in the population databases is considered unreliable, as metrics indicate poor data quality at this position in the gnomAD database. This variant has not been reported in the literature in individuals affected with SLCO5A1-related conditions. Algorithms developed to predict the effect of missense changes on protein structure and function are either unavailable or do not agree on the potential impact of this missense change (SIFT: "Deleterious"; PolyPhen-2: "Probably Damaging"; Align-GVGD: "Class C0"). In summary, the available evidence is currently insufficient to determine the role of this variant in disease. Therefore, it has been classified as a Variant of Uncertain Significance.